The following is an entry in ClinVar:

ClinVar aggregate classification (germline): Uncertain significance (1 of 4 stars; one submission).

Submission:

Labcorp Genetics (formerly Invitae), Labcorp
Classification: Uncertain significance. Last evaluated: 2021-06-08. Review status: criteria provided, single submitter. Criteria: Invitae Variant Classification Sherloc (09022015). Collection method: clinical testing. Allele origin: germline.
Comment: In summary, the available evidence is currently insufficient to determine the role of this variant in disease. Therefore, it has been classified as a Variant of Uncertain Significance. Algorithms developed to predict the effect of missense changes on protein structure and function are either unavailable or do not agree on the potential impact of this missense change (SIFT: "Tolerated"; PolyPhen-2: "Possibly Damaging"; Align-GVGD: "Class C0"). This variant has not been reported in the literature in individuals with ATP2B4-related conditions. This variant is not present in population databases (ExAC no frequency). This sequence change replaces threonine with isoleucine at codon 1022 of the ATP2B4 protein (p.Thr1022Ile). The threonine residue is weakly conserved and there is a moderate physicochemical difference between threonine and isoleucine.

NM_001684.5(ATP2B4):c.3065C>T (p.Thr1022Ile)

Gene: ATP2B4 (ATPase plasma membrane Ca2+ transporting 4; plus strand). Cytogenetic location: 1q32.1.
Variant type: single nucleotide variant.
Coding change: c.3065C>T on transcript NM_001684.5 (MANE Select); coding-DNA position 3065, C replaced by T.
Protein change: p.Thr1022Ile; replaces threonine 1022 with isoleucine.
Molecular consequence: missense variant.
Genome position (GRCh38, 1-based): chr1:203,723,921, C>T. VCF-style: chr1-203723921-C-T. GRCh37 (hg19) VCF-style: chr1-203693049-C-T.
Other names: c.3065C>T, p.Thr1022Ile (NM_001001396.3, NM_001365783.2, NM_001365784.2); short protein forms T1022I.
Identifiers: ClinVar variation 1462312 (VCV001462312.8), dbSNP rs754341355, ClinGen allele CA344322385.